The following is an entry in ClinVar:

ClinVar aggregate classification (germline): Conflicting classifications of pathogenicity. Review status: criteria provided, conflicting classifications (1 of 4 stars). 3 submissions from 3 submitters: Uncertain significance (2); Likely benign (1). Last evaluated 2025-07-09.

Conditions:
Hereditary cancer-predisposing syndrome. Also called: Hereditary neoplastic syndrome; Neoplastic Syndromes, Hereditary; Hereditary Cancer Syndrome; Tumor predisposition. Identifiers: Orphanet 140162, MedGen C0027672, MeSH D009386, MONDO:0015356.
Hereditary breast ovarian cancer syndrome. Also called: BRCA1- and BRCA2-Associated Hereditary Breast and Ovarian Cancer; Hereditary breast and ovarian cancer syndrome (HBOC); Hereditary breast and/or ovarian cancer syndrome; Hereditary breast and ovarian cancer syndrome; Hereditary breast and ovarian cancer; Breast and ovarian cancer. Identifiers: Orphanet 145, MedGen C0677776, MeSH D061325, MONDO:0003582. Disease mechanism: loss of function.

Submissions (3):

Ambry Genetics
Classification: Uncertain significance for Hereditary cancer-predisposing syndrome. Last evaluated: 2025-07-09. Review status: criteria provided, single submitter. Criteria: Ambry Variant Classification Scheme 2023. Collection method: clinical testing. Allele origin: germline.
Comment: The p.V1341A variant (also known as c.4022T>C), located in coding exon 9 of the BRCA1 gene, results from a T to C substitution at nucleotide position 4022. The valine at codon 1341 is replaced by alanine, an amino acid with similar properties. This amino acid position is not well conserved in available vertebrate species. In addition, the in silico prediction for this alteration is inconclusive. Based on the available evidence, the clinical significance of this variant remains unclear.

University of Washington Department of Laboratory Medicine, University of Washington
Classification: Likely benign for Hereditary cancer-predisposing syndrome. Last evaluated: 2023-03-23. Review status: criteria provided, single submitter. Criteria: Dines et al. (Genet Med. 2020). Collection method: curation. Allele origin: germline.
Comment: Missense variant in a coldspot region where missense variants are very unlikely to be pathogenic (PMID:31911673).

BRCA1 coldspot (exon 11 using historical exon numbering). Reclassification based on statistical prior probability

Labcorp Genetics (formerly Invitae), Labcorp
Classification: Uncertain significance for Hereditary breast ovarian cancer syndrome. Last evaluated: 2022-10-03. Review status: criteria provided, single submitter. Criteria: Invitae Variant Classification Sherloc (09022015). Collection method: clinical testing. Allele origin: germline.
Comment: In summary, the available evidence is currently insufficient to determine the role of this variant in disease. Therefore, it has been classified as a Variant of Uncertain Significance. Advanced modeling of protein sequence and biophysical properties (such as structural, functional, and spatial information, amino acid conservation, physicochemical variation, residue mobility, and thermodynamic stability) performed at Invitae indicates that this missense variant is not expected to disrupt BRCA1 protein function. This variant has not been reported in the literature in individuals affected with BRCA1-related conditions. This variant is not present in population databases (gnomAD no frequency). This sequence change replaces valine, which is neutral and non-polar, with alanine, which is neutral and non-polar, at codon 1341 of the BRCA1 protein (p.Val1341Ala).

NM_007294.4(BRCA1):c.4022T>C (p.Val1341Ala)

Genes: BRCA1 (BRCA1 DNA repair associated; minus strand), LOC126862571 (BRD4-independent group 4 enhancer GRCh37_chr17:41243136-41244335; plus strand). Cytogenetic location: 17q21.31.
Variant type: single nucleotide variant.
Coding change: c.4022T>C on transcript NM_007294.4 (MANE Select); coding-DNA position 4022, T replaced by C.
Protein change: p.Val1341Ala; replaces valine 1341 with alanine.
Molecular consequence: missense variant. On other transcripts: intron variant (135).
Genome position (GRCh38, 1-based): chr17:43,091,509, A>G on the plus strand (T>C on the coding strand, the complement: BRCA1 is on the minus strand). VCF-style: chr17-43091509-A-G. GRCh37 (hg19) VCF-style: chr17-41243526-A-G.
Other names: c.407-477T>C (NM_001408510.1); c.644-477T>C (NM_001408470.1, NM_001408464.1, NM_001408468.1 and 3 more transcripts); c.647-477T>C (NM_001408469.1, NM_001408453.1, NM_001408461.1 and 11 more transcripts); c.785-477T>C (NM_001408397.1, NM_001408401.1, NM_001408396.1 and 13 more transcripts); c.665-477T>C (NM_001408436.1, NM_001408444.1, NM_001408438.1 and 12 more transcripts); c.788-477T>C (NM_001407976.1, NM_001407993.1, NM_001407980.1 and 17 more transcripts); c.524-477T>C (NM_001408498.1, NM_001408501.1, NM_001408500.1 and 3 more transcripts); c.653-477T>C (NM_001408451.1); and 41 more; short protein forms V1045A, V1173A, V1213A, V1214A, V1229A, V1230A, V1252A, V1253A.
Identifiers: ClinVar variation 1720861 (VCV001720861.9), dbSNP rs2154269000, ClinGen allele CA10593914.